The following is an entry in ClinVar:

ClinVar aggregate classification (germline): Benign. Review status: criteria provided, multiple submitters, no conflicts (2 of 4 stars). 14 submissions from 10 submitters: Benign (13). 1 of the submissions does not count toward it. Last evaluated 2026-02-04.

Conditions:
Autosomal recessive limb-girdle muscular dystrophy type 2Q (LGMDR17). Also called: MUSCULAR DYSTROPHY, LIMB-GIRDLE, AUTOSOMAL RECESSIVE 17. Identifiers: Orphanet 254361, MedGen C3150989, MONDO:0013390, OMIM 613723.
Epidermolysis bullosa simplex 5C, with pyloric atresia (EBS5C). Also called: PLEC-Related Epidermolysis Bullosa with Pyloric Atresia; Epidermolysis bullosa simplex with pyloric atresia; PLEC1-Related Epidermolysis Bullosa with Pyloric Atresia. Identifiers: Orphanet 158684, MedGen C2677349, MONDO:0012807, OMIM 612138.
Epidermolysis bullosa simplex 5B, with muscular dystrophy (EBS5B). Also called: EPIDERMOLYSIS BULLOSA SIMPLEX AND LIMB-GIRDLE MUSCULAR DYSTROPHY; Epidermolysis bullosa simplex with muscular dystrophy. Identifiers: Orphanet 257, MedGen C2931072, MONDO:0009181, OMIM 226670.
Epidermolysis bullosa simplex with nail dystrophy (EBS5D). Identifiers: MedGen C4225309, MONDO:0014661, OMIM 616487.
Epidermolysis bullosa simplex, Ogna type (EBS5A). Also called: EPIDERMOLYSIS BULLOSA SIMPLEX 5A, OGNA TYPE; Pidermolysis bullosa simplex 5A, Ogna type. Identifiers: Orphanet 79401, MedGen C0432317, MONDO:0007555, OMIM 131950.

Allele frequency attached by ClinVar (database versions not stated): 1000 Genomes Project 30x 0.22892; 1000 Genomes Project 0.23083; ESP Exome Variant Server 0.26815; TOPMed 0.28164; gnomAD 0.29922 and 0.30106; gnomAD exomes 0.33435 and 0.39664; ExAC 0.37586.
gnomAD v4.1: 614,468 of 1,587,434 alleles (39%); highest among the groups gnomAD compares: Non-Finnish European, 42%; 125,381 homozygotes.

Submissions (14):

Labcorp Genetics (formerly Invitae), Labcorp
Classification: Benign for Autosomal recessive limb-girdle muscular dystrophy type 2Q; Epidermolysis bullosa simplex, Ogna type; Epidermolysis bullosa simplex with nail dystrophy; Epidermolysis bullosa simplex 5C, with pyloric atresia; Epidermolysis bullosa simplex 5B, with muscular dystrophy. Last evaluated: 2026-02-04. Review status: criteria provided, single submitter. Criteria: Invitae Variant Classification Sherloc (09022015). Collection method: clinical testing. Allele origin: germline.

Blueprint Genetics
Classification: Benign. Last evaluated: 2024-11-27. Review status: criteria provided, single submitter. Criteria: ACMG Guidelines, 2015. Collection method: clinical testing. Allele origin: germline.

Genome-Nilou Lab
Classification: Benign for Epidermolysis bullosa simplex with nail dystrophy. Last evaluated: 2021-10-25. Review status: criteria provided, single submitter. Criteria: ACMG Guidelines, 2015. Collection method: clinical testing. Allele origin: germline. Affected: no.

Genome-Nilou Lab
Classification: Benign for Epidermolysis bullosa simplex, Ogna type. Last evaluated: 2021-10-25. Review status: criteria provided, single submitter. Criteria: ACMG Guidelines, 2015. Collection method: clinical testing. Allele origin: germline. Affected: no.

Genome-Nilou Lab
Classification: Benign for Epidermolysis bullosa simplex 5B, with muscular dystrophy. Last evaluated: 2021-10-25. Review status: criteria provided, single submitter. Criteria: ACMG Guidelines, 2015. Collection method: clinical testing. Allele origin: germline. Affected: no.

Genome-Nilou Lab
Classification: Benign for Epidermolysis bullosa simplex 5C, with pyloric atresia. Last evaluated: 2021-10-25. Review status: criteria provided, single submitter. Criteria: ACMG Guidelines, 2015. Collection method: clinical testing. Allele origin: germline. Affected: no.

Genome-Nilou Lab
Classification: Benign for Autosomal recessive limb-girdle muscular dystrophy type 2Q. Last evaluated: 2021-10-25. Review status: criteria provided, single submitter. Criteria: ACMG Guidelines, 2015. Collection method: clinical testing. Allele origin: germline. Affected: no.

Mayo Clinic Laboratories, Mayo Clinic
Classification: Benign. Last evaluated: 2017-07-24. Review status: criteria provided, single submitter. Criteria: ACMG Guidelines, 2015. Collection method: clinical testing. Allele origin: germline. Observed: 786 variant alleles.

GeneDx
Classification: Benign. Last evaluated: 2015-03-03. Review status: criteria provided, single submitter. Criteria: GeneDx Variant Classification Process June 2021. Collection method: clinical testing. Allele origin: germline. Affected: yes.

Laboratory for Molecular Medicine, Mass General Brigham Personalized Medicine
Classification: Benign. Last evaluated: 2015-01-13. Review status: criteria provided, single submitter. Criteria: LMM Criteria. Collection method: clinical testing. Allele origin: germline. Observed: 9 variant alleles.
Comment: p.Ala1697Ala in exon 31 of PLEC: This variant is not expected to have clinical s ignificance because it does not alter an amino acid residue and is not located w ithin the splice consensus sequence. It has been identified in 36.1% (2520/6990) of European American chromosomes from a broad population by the NHLBI Exome Seq uencing Project (dbSNP rs55836855).

Eurofins Ntd Llc (ga)
Classification: Benign. Last evaluated: 2014-06-05. Review status: criteria provided, single submitter. Criteria: EGL Classification Definitions 2015. Collection method: clinical testing. Allele origin: germline. Observed: 21 variant alleles, 18 heterozygotes, 3 homozygotes.

Breakthrough Genomics
Classification: Benign. Review status: criteria provided, single submitter. Criteria: ACMG Guidelines, 2015. Collection method: not provided. Allele origin: germline. Inheritance: Autosomal recessive inheritance. Affected: yes.

PreventionGenetics, part of Exact Sciences
Classification: Benign. Review status: criteria provided, single submitter. Criteria: ACMG Guidelines, 2015. Collection method: clinical testing. Allele origin: germline.

Genetic Services Laboratory, University of Chicago
Classification: Likely benign for AllHighlyPenetrant. Review status: no assertion criteria provided. Collection method: clinical testing. Allele origin: germline. Inheritance: Autosomal recessive inheritance. Not counted in ClinVar's aggregate classification.
Comment: Likely benign based on allele frequency in 1000 Genomes Project or ESP global frequency and its presence in a patient with a rare or unrelated disease phenotype. NOT Sanger confirmed.

NM_201384.3(PLEC):c.4680G>A (p.Ala1560=)

Gene: PLEC (plectin; minus strand). Cytogenetic location: 8q24.3.
Variant type: single nucleotide variant.
Coding change: c.4680G>A on transcript NM_201384.3 (MANE Select); coding-DNA position 4680, G replaced by A.
Protein change: p.Ala1560=; no amino-acid change (alanine 1560 retained).
Molecular consequence: synonymous variant.
Genome position (GRCh38, 1-based): chr8:143,925,249, C>T on the plus strand (G>A on the coding strand, the complement: PLEC is on the minus strand). VCF-style: chr8-143925249-C-T. GRCh37 (hg19) VCF-style: chr8-144999417-C-T.
Other names: p.Ala1546=; c.4761G>A, p.Ala1587= (NM_000445.5); c.4638G>A, p.Ala1546= (NM_201378.4); c.4614G>A, p.Ala1538= (NM_201379.3); c.5091G>A, p.Ala1697= (NM_201380.4); c.4584G>A, p.Ala1528= (NM_201381.3); c.4680G>A, p.Ala1560= (NM_201382.4); c.4692G>A, p.Ala1564= (NM_201383.3).
Identifiers: ClinVar variation 93056 (VCV000093056.28), dbSNP rs55836855, ClinGen allele CA146410.